The following is an entry in ClinVar:

ClinVar aggregate classification (germline): Uncertain significance (1 of 4 stars; one submission).

Submission:

GeneDx
Classification: Uncertain significance. Last evaluated: 2017-05-01. Review status: criteria provided, single submitter. Criteria: GeneDx Variant Classification (06012015). Collection method: clinical testing. Allele origin: germline. Affected: yes.
Comment: The c.1782+2dupT variant in the TNPO3 gene has not been reported previously as a pathogenic variant nor as a benign variant, to our knowledge. This variant is predicted to destroy the natural splice donor site in intron 13, and is expected to cause abnormal gene splicing. The c.1782+2dupT variant is not observed in large population cohorts (Lek et al., 2016; 1000 Genomes Consortium et al., 2015; Exome Variant Server). We interpret c.1782+2dupT as a variant of uncertain significance.

NM_012470.4(TNPO3):c.1782+2dup

Gene: TNPO3 (transportin 3; minus strand). Cytogenetic location: 7q32.1.
Variant type: Duplication.
Coding change: c.1782+2dup on transcript NM_012470.4 (MANE Select); the canonical splice donor site of the intron after coding-DNA position 1782, one base duplicated (T; older notation c.1782+2dupT).
Molecular consequence: splice donor variant.
Genome position (GRCh38, 1-based): chr7:128,984,166, A duplicated on the plus strand (T on the coding strand, the reverse complement: TNPO3 is on the minus strand). VCF-style (leftmost placement, unchanged base first): chr7-128984165-T-TA. GRCh37 (hg19) VCF-style: chr7-128624219-T-TA.
Other names: c.1782+2dupT (NM_012470.3); c.1638+2dup (NM_001382221.1); c.1635+2dup (NM_001382222.1); c.1674+2dup (NM_001382219.1); c.1590+2dup (NM_001382223.1, NM_001191028.3); c.1782+2dup (NM_001382220.1, NM_001382218.1); c.1884+2dup (NM_001382216.1); c.1863+2dup (NM_001382217.1).
Identifiers: ClinVar variation 426149 (VCV000426149.1), dbSNP rs1085307475, ClinGen allele CA645293873.